The following is an entry in ClinVar:

ClinVar aggregate classification (germline): Benign/Likely benign. Review status: criteria provided, multiple submitters, no conflicts (2 of 4 stars). 8 submissions from 8 submitters: Benign (1); Likely benign (7). Last evaluated 2026-01-07.

Conditions:
Chuvash polycythemia. Also called: POLYCYTHEMIA, VHL-DEPENDENT. Identifiers: Orphanet 238557, MedGen C1837915, MONDO:0009892, OMIM 263400.
Von Hippel-Lindau syndrome (VHLS). Also called: Von Hippel-Lindau; VHL syndrome; von Hippel–Lindau syndrome. Identifiers: Orphanet 892, MedGen C0019562, MONDO:0008667, OMIM 193300. Disease mechanism: loss of function.
Hereditary cancer-predisposing syndrome. Also called: Neoplastic Syndromes, Hereditary; Hereditary neoplastic syndrome; Tumor predisposition; Hereditary Cancer Syndrome. Identifiers: Orphanet 140162, MedGen C0027672, MeSH D009386, MONDO:0015356.

Allele frequency attached by ClinVar (database versions not stated): gnomAD below 0.00001 and 0.00001; TOPMed below 0.00001; ExAC 0.00005; gnomAD exomes 0.00005; ESP Exome Variant Server 0.00008.
gnomAD v4.1: 59 of 1,613,334 alleles (0.0037%); highest among the groups gnomAD compares: South Asian, 0.016%; no homozygotes.

Submissions (8):

Labcorp Genetics (formerly Invitae), Labcorp
Classification: Likely benign for Von Hippel-Lindau syndrome; Chuvash polycythemia. Last evaluated: 2026-01-07. Review status: criteria provided, single submitter. Criteria: Invitae Variant Classification Sherloc (09022015). Collection method: clinical testing. Allele origin: germline.

ARUP Laboratories, Molecular Genetics and Genomics, ARUP Laboratories
Classification: Likely benign. Last evaluated: 2024-12-16. Review status: criteria provided, single submitter. Criteria: ARUP Molecular Germline Variant Investigation Process 2024. Collection method: clinical testing. Allele origin: germline.

Myriad Genetics, Inc.
Classification: Benign for Von Hippel-Lindau syndrome. Last evaluated: 2024-09-11. Review status: criteria provided, single submitter. Criteria: Myriad Autosomal Dominant, Autosomal Recessive and X-Linked Classification Criteria (2023). Collection method: clinical testing. Allele origin: unknown.
Comment: This variant is considered benign. This variant is intronic and is not expected to impact mRNA splicing. This variant has been observed at a population frequency that is significantly greater than expected given the associated disease prevalence and penetrance.

Color Diagnostics, LLC DBA Color Health
Classification: Likely benign for Von Hippel-Lindau syndrome. Last evaluated: 2023-01-04. Review status: criteria provided, single submitter. Criteria: ACMG Guidelines, 2015. Collection method: clinical testing. Allele origin: germline.

Sema4
Classification: Likely benign for Hereditary cancer-predisposing syndrome. Last evaluated: 2022-02-04. Review status: criteria provided, single submitter. Criteria: Sema4 Curation Guidelines. Collection method: curation. Allele origin: germline.

Ambry Genetics
Classification: Likely benign for Hereditary cancer-predisposing syndrome. Last evaluated: 2021-06-29. Review status: criteria provided, single submitter. Criteria: Ambry Variant Classification Scheme 2023. Collection method: clinical testing. Allele origin: germline.

GeneDx
Classification: Likely benign. Last evaluated: 2018-03-12. Review status: criteria provided, single submitter. Criteria: GeneDx Variant Classification (06012015). Collection method: clinical testing. Allele origin: germline. Affected: yes.
Comment: This variant is considered likely benign or benign based on one or more of the following criteria: it is a conservative change, it occurs at a poorly conserved position in the protein, it is predicted to be benign by multiple in silico algorithms, and/or has population frequency not consistent with disease.

Illumina Laboratory Services, Illumina
Classification: Likely benign for Von Hippel-Lindau syndrome. Last evaluated: 2018-01-13. Review status: criteria provided, single submitter. Criteria: ICSL Variant Classification Criteria 13 December 2019. Collection method: clinical testing. Allele origin: germline.
Comment: This variant was observed in the ICSL laboratory as part of a predisposition screen in an ostensibly healthy population. It had not been previously curated by ICSL or reported in the Human Gene Mutation Database (HGMD: prior to June 1st, 2018), and was therefore a candidate for classification through an automated scoring system. Utilizing variant allele frequency, disease prevalence and penetrance estimates, and inheritance mode, an automated score was calculated to assess if this variant is too frequent to cause the disease. Based on the score and internal cut-off values, a variant classified as likely benign is not then subjected to further curation. The score for this variant resulted in a classification of likely benign for this disease.

NM_000551.4(VHL):c.341-5G>A

Genes: VHL (von Hippel-Lindau tumor suppressor; plus strand), LOC107303340 (3p25 von Hippel-Lindau tumor suppressor, E3 ubiquitin protein ligase Alu-mediated recombination region; plus strand). Cytogenetic location: 3p25.3.
Variant type: single nucleotide variant.
Coding change: c.341-5G>A on transcript NM_000551.4 (MANE Select); 5 bases into the intron before coding-DNA position 341, G replaced by A.
Molecular consequence: intron variant.
Genome position (GRCh38, 1-based): chr3:10,146,509, G>A. VCF-style: chr3-10146509-G-A. GRCh37 (hg19) VCF-style: chr3-10188193-G-A.
Other names: c.*18-3278G>A (NM_001354723.2); c.341-3278G>A (NM_198156.3).
Identifiers: ClinVar variation 386138 (VCV000386138.23), dbSNP rs372340900, ClinGen allele CA040622.